The following is an entry in ClinVar:

NM_153766.3(KCNJ1):c.1010C>A (p.Ala337Asp)

Gene: KCNJ1 (potassium inwardly rectifying channel subfamily J member 1; minus strand). Cytogenetic location: 11q24.3.
Variant type: single nucleotide variant.
Coding change: c.1010C>A on transcript NM_153766.3 (MANE Select); coding-DNA position 1010, C replaced by A.
Protein change: p.Ala337Asp; replaces alanine 337 with aspartic acid.
Molecular consequence: missense variant.
Genome position (GRCh38, 1-based): chr11:128,839,234, G>T on the plus strand (C>A on the coding strand, the complement: KCNJ1 is on the minus strand). VCF-style: chr11-128839234-G-T. GRCh37 (hg19) VCF-style: chr11-128709129-G-T.
Other names: c.1067C>A, p.Ala356Asp (NM_000220.6); c.1010C>A, p.Ala337Asp (NM_153764.3, NM_153767.4); c.1061C>A, p.Ala354Asp (NM_153765.3); short protein forms A337D, A354D, A356D.
Identifiers: ClinVar variation 2794645 (VCV002794645.3), dbSNP rs1175143767, ClinGen allele CA383242953.

ClinVar aggregate classification (germline): Uncertain significance (1 of 4 stars; one submission).

Allele frequency attached by ClinVar (database versions not stated): gnomAD 0.00001; TOPMed 0.00001.
gnomAD v4.1: 2 of 1,613,832 alleles (0.00012%); highest among the groups gnomAD compares: Admixed American, 0.0033%; no homozygotes.

Submission:

Labcorp Genetics (formerly Invitae), Labcorp
Classification: Uncertain significance. Last evaluated: 2024-01-15. Review status: criteria provided, single submitter. Criteria: Invitae Variant Classification Sherloc (09022015). Collection method: clinical testing. Allele origin: germline.
Comment: This sequence change replaces alanine, which is neutral and non-polar, with aspartic acid, which is acidic and polar, at codon 356 of the KCNJ1 protein (p.Ala356Asp). This variant is present in population databases (no rsID available, gnomAD 0.006%). This variant has not been reported in the literature in individuals affected with KCNJ1-related conditions. An algorithm developed to predict the effect of missense changes on protein structure and function (PolyPhen-2) suggests that this variant is likely to be disruptive. In summary, the available evidence is currently insufficient to determine the role of this variant in disease. Therefore, it has been classified as a Variant of Uncertain Significance.